The following is an entry in ClinVar:

ClinVar aggregate classification (germline): Uncertain significance (1 of 4 stars; one submission).

Submission:

Women's Health and Genetics/Laboratory Corporation of America, LabCorp
Classification: Uncertain significance. Last evaluated: 2024-01-05. Review status: criteria provided, single submitter. Criteria: LabCorp Variant Classification Summary - May 2015. Collection method: clinical testing. Allele origin: germline.
Comment: Variant summary: F13A1 c.1796T>C (p.Leu599Pro) results in a non-conservative amino acid change located in the Transglutaminase, C-terminal domain (IPR008958) of the encoded protein sequence. Five of five in-silico tools predict a damaging effect of the variant on protein function. The variant was absent in 251276 control chromosomes (gnomAD). The available data on variant occurrences in the general population are insufficient to allow any conclusion about variant significance. To our knowledge, no occurrence of c.1796T>C in individuals affected with Factor XIIIA Deficiency and no experimental evidence demonstrating its impact on protein function have been reported. No submitters have cited clinical-significance assessments for this variant to ClinVar. Based on the evidence outlined above, the variant was classified as uncertain significance.

NM_000129.4(F13A1):c.1796T>C (p.Leu599Pro)

Gene: F13A1 (coagulation factor XIII A chain; minus strand). Cytogenetic location: 6p25.1.
Variant type: single nucleotide variant.
Coding change: c.1796T>C on transcript NM_000129.4 (MANE Select); coding-DNA position 1796, T replaced by C.
Protein change: p.Leu599Pro; replaces leucine 599 with proline.
Molecular consequence: missense variant.
Genome position (GRCh38, 1-based): chr6:6,167,570, A>G on the plus strand (T>C on the coding strand, the complement: F13A1 is on the minus strand). VCF-style: chr6-6167570-A-G. GRCh37 (hg19) VCF-style: chr6-6167803-A-G.
Other names: short protein forms L599P.
Identifiers: ClinVar variation 3063775 (VCV003063775.1), dbSNP rs2480517632, ClinGen allele CA362659716.